The following is an entry in ClinVar:

NM_001242957.3(MAK):c.1597+6G>A

Gene: MAK (male germ cell associated kinase; minus strand). Cytogenetic location: 6p24.2.
Variant type: single nucleotide variant.
Coding change: c.1597+6G>A on transcript NM_001242957.3 (MANE Select); 6 bases into the intron after coding-DNA position 1597, G replaced by A.
Molecular consequence: intron variant.
Genome position (GRCh38, 1-based): chr6:10,775,322, C>T on the plus strand (G>A on the coding strand, the complement: MAK is on the minus strand). VCF-style: chr6-10775322-C-T. GRCh37 (hg19) VCF-style: chr6-10775555-C-T.
Other names: c.1495+6G>A (NM_001377262.1); c.1597+6G>A (NM_005906.6, NM_001242385.2).
Identifiers: ClinVar variation 1415252 (VCV001415252.5), dbSNP rs764077560, ClinGen allele CA3633394.
Genomic context (GRCh38, chr6:10,775,322, plus strand): 5'-TATATTTAAAAGTAGACCTCTATAAAGGAAAACCCCGTACATGTACATTTTGTATTCTTG[C>T]GTTACCTGCATTGCTCCTTTTGAAAGCAAGTTCTGCCCCAACGGGTCCCAGTGACTTGGG-3'

ClinVar aggregate classification (germline): Uncertain significance (1 of 4 stars; one submission).

Allele frequency attached by ClinVar (database versions not stated): ExAC 0.00002.
gnomAD v4.1: 24 of 1,612,266 alleles (0.0015%); highest among the groups gnomAD compares: Middle Eastern, 0.016%; no homozygotes.

Submission:

Labcorp Genetics (formerly Invitae), Labcorp
Classification: Uncertain significance. Last evaluated: 2022-04-04. Review status: criteria provided, single submitter. Criteria: Invitae Variant Classification Sherloc (09022015). Collection method: clinical testing. Allele origin: germline.
Comment: This sequence change falls in intron 11 of the MAK gene. It does not directly change the encoded amino acid sequence of the MAK protein. It affects a nucleotide within the consensus splice site. This variant is present in population databases (rs764077560, gnomAD 0.01%). This variant has not been reported in the literature in individuals affected with MAK-related conditions. Variants that disrupt the consensus splice site are a relatively common cause of aberrant splicing (PMID: 17576681, 9536098). Algorithms developed to predict the effect of sequence changes on RNA splicing suggest that this variant is not likely to affect RNA splicing. In summary, the available evidence is currently insufficient to determine the role of this variant in disease. Therefore, it has been classified as a Variant of Uncertain Significance.

Literature cited by the submitters: PubMed 17576681; PubMed 9536098.